The following is an entry in ClinVar:

ClinVar aggregate classification (germline): Uncertain significance (0 of 4 stars; one submission).

Submission:

Leiden Open Variation Database
Classification: Uncertain significance. Last evaluated: 2019-08-13. Review status: no assertion criteria provided. Collection method: curation. Allele origin: germline. Affected: yes.
Comment: Curator: Arleen D. Auerbach. Submitter to LOVD: Yukihide Momozawa.

Literature cited by the submitters: PubMed 31214711.

NM_032043.3(BRIP1):c.1367T>C (p.Leu456Pro)

Gene: BRIP1 (BRCA1 interacting helicase 1; minus strand). Cytogenetic location: 17q23.2.
Variant type: single nucleotide variant.
Coding change: c.1367T>C on transcript NM_032043.3 (MANE Select); coding-DNA position 1367, T replaced by C.
Protein change: p.Leu456Pro; replaces leucine 456 with proline.
Molecular consequence: missense variant.
Genome position (GRCh38, 1-based): chr17:61,793,703, A>G on the plus strand (T>C on the coding strand, the complement: BRIP1 is on the minus strand). VCF-style: chr17-61793703-A-G. GRCh37 (hg19) VCF-style: chr17-59871064-A-G.
Other names: short protein forms L456P.
Identifiers: ClinVar variation 929538 (VCV000929538.1), dbSNP rs1555605947, ClinGen allele CA400482267.